The following is an entry in ClinVar:

NM_000271.5(NPC1):c.1996_1997del (p.Ser666fs)

Gene: NPC1 (NPC intracellular cholesterol transporter 1; minus strand). Cytogenetic location: 18q11.2.
Variant type: Deletion.
Coding change: c.1996_1997del on transcript NM_000271.5 (MANE Select); coding-DNA positions 1996 to 1997, 2 bases deleted (AG; older notation c.1996_1997delAG).
Protein change: p.Ser666fs; shifts the reading frame from serine 666.
Molecular consequence: frameshift variant.
Genome position (GRCh38, 1-based): chr18:23,544,477-23,544,478, CT deleted on the plus strand (AG on the coding strand, the reverse complement: NPC1 is on the minus strand); deleting any 2 consecutive bases within chr18:23,544,477-23,544,479 gives the same sequence; the c. name uses the placement nearest the transcript's 3' end. VCF-style (leftmost placement, unchanged base first): chr18-23544476-GCT-G. GRCh37 (hg19) VCF-style: chr18-21124440-GCT-G.
Other names: short protein forms S666fs.
Identifiers: ClinVar variation 1726563 (VCV001726563.2), dbSNP rs2511235793, ClinGen allele CA2580095612.

ClinVar aggregate classification (germline): Likely pathogenic (1 of 4 stars; one submission).

Conditions:
Niemann-Pick disease, type C1. Also called: NEUROVISCERAL STORAGE DISEASE WITH VERTICAL SUPRANUCLEAR OPHTHALMOPLEGIA; NIEMANN-PICK DISEASE WITH CHOLESTEROL ESTERIFICATION BLOCK; NIEMANN-PICK DISEASE WITHOUT SPHINGOMYELINASE DEFICIENCY; NIEMANN-PICK DISEASE, CHRONIC NEURONOPATHIC FORM; NIEMANN-PICK DISEASE, VARIANT TYPE C1. Identifiers: Orphanet 646, MedGen C3179455, MONDO:0009757, OMIM 257220.

Submission:

Myriad Genetics, Inc.
Classification: Likely pathogenic for Niemann-Pick disease, type C1. Last evaluated: 2022-03-31. Review status: criteria provided, single submitter. Criteria: Myriad Women's Health Autosomal Recessive and X-Linked Classification Criteria (2021). Collection method: clinical testing. Allele origin: unknown.
Comment: NM_000271.4(NPC1):c.1996_1997delAG(S666Lfs*22) is expected to be pathogenic in the context of Niemann-Pick disease type C1. This variant is predicted to lead to an abnormal or absent protein product due to the creation of a premature termination codon in NPC1, a gene where loss-of-function variants are known to be pathogenic. Please note: this variant was assessed in the context of healthy population screening.